The following is an entry in ClinVar:

NM_022101.4(STEEP1):c.-50C>T

Gene: STEEP1 (STING1 ER exit protein 1; minus strand). Cytogenetic location: Xq24.
Variant type: single nucleotide variant.
Coding change: c.-50C>T on transcript NM_022101.4 (MANE Select); 50 bases upstream of the start codon, C replaced by T.
Molecular consequence: 5 prime UTR variant.
Genome position (GRCh38, 1-based): chrX:119,565,405, G>A on the plus strand (C>T on the coding strand, the complement: STEEP1 is on the minus strand). VCF-style: chrX-119565405-G-A. GRCh37 (hg19) VCF-style: chrX-118699368-G-A.
Other names: c.-304C>T (NM_001170569.1); c.-50C>T (NM_001170570.2).
Identifiers: ClinVar variation 4851761 (VCV004851761.1).

ClinVar aggregate classification (germline): Uncertain significance (1 of 4 stars; one submission).

Submission:

Greenwood Genetic Center Diagnostic Laboratories, Greenwood Genetic Center
Classification: Uncertain significance. Last evaluated: 2025-01-23. Review status: criteria provided, single submitter. Criteria: ACMG Guidelines, 2015. Collection method: clinical testing. Allele origin: germline.
Comment: PM2